The following is an entry in ClinVar:

ClinVar aggregate classification (germline): Uncertain significance (1 of 4 stars; one submission).

gnomAD v4.1: 1 of 1,602,898 alleles (0.000062%); highest among the groups gnomAD compares: Non-Finnish European, 0.000085%; no homozygotes.

Submission:

Labcorp Genetics (formerly Invitae), Labcorp
Classification: Uncertain significance. Last evaluated: 2024-03-13. Review status: criteria provided, single submitter. Criteria: Invitae Variant Classification Sherloc (09022015). Collection method: clinical testing. Allele origin: germline.
Comment: This sequence change replaces methionine, which is neutral and non-polar, with threonine, which is neutral and polar, at codon 379 of the SRP72 protein (p.Met379Thr). This variant is not present in population databases (gnomAD no frequency). This variant has not been reported in the literature in individuals affected with SRP72-related conditions. Advanced modeling of protein sequence and biophysical properties (such as structural, functional, and spatial information, amino acid conservation, physicochemical variation, residue mobility, and thermodynamic stability) performed at Invitae indicates that this missense variant is not expected to disrupt SRP72 protein function with a negative predictive value of 80%. In summary, the available evidence is currently insufficient to determine the role of this variant in disease. Therefore, it has been classified as a Variant of Uncertain Significance.

NM_006947.4(SRP72):c.1136T>C (p.Met379Thr)

Gene: SRP72 (signal recognition particle 72; plus strand). Cytogenetic location: 4q12.
Variant type: single nucleotide variant.
Coding change: c.1136T>C on transcript NM_006947.4 (MANE Select); coding-DNA position 1136, T replaced by C.
Protein change: p.Met379Thr; replaces methionine 379 with threonine.
Molecular consequence: missense variant. On other transcripts: non-coding transcript variant (1).
Genome position (GRCh38, 1-based): chr4:56,486,374, T>C. VCF-style: chr4-56486374-T-C. GRCh37 (hg19) VCF-style: chr4-57352540-T-C.
Other names: c.953T>C, p.Met318Thr (NM_001267722.2); short protein forms M379T, M318T.
Identifiers: ClinVar variation 3645826 (VCV003645826.2).
Genomic context (GRCh38, chr4:56,486,374, plus strand): 5'-AAAAAATTTAGGAATTTTCAGATCAGCATCCAGAAAATGCAGCTGAAATTAAGCTGACCA[T>C]GGCACAGTTGAAAATTTCTCAAGGTATTATGGTTTTCATCATGATTAAAATATTTTAATG-3'
Protein context (NP_008878.3, residues 369-389): PENAAEIKLT[Met379Thr]AQLKISQGNI